The following is an entry in ClinVar:

GRCh37/hg19 15q24.3-26.3(chr15:77512817-102035027)x3

Genes: ABHD17C (abhydrolase domain containing 17C, depalmitoylase; plus strand), ABHD2 (abhydrolase domain containing 2, acylglycerol lipase; plus strand), ACAN (aggrecan; plus strand), ACSBG1 (acyl-CoA synthetase bubblegum family member 1; minus strand), ADAMTS17 (ADAM metallopeptidase with thrombospondin type 1 motif 17; minus strand) and 136 more. Cytogenetic location: 15q24.3-26.3.
Variant type: copy number gain.
Change: copy number 3 (three copies instead of two) of chr15:77,512,817-102,035,027 (24.52 Mb, GRCh37 coordinates, 1-based), cytogenetic band 15q24.3-26.3.
Identifiers: ClinVar variation 1809424 (VCV001809424.1).

ClinVar aggregate classification (germline): Pathogenic (1 of 4 stars; one submission).

Submission:

Quest Diagnostics Nichols Institute San Juan Capistrano
Classification: Pathogenic. Last evaluated: 2021-11-09. Review status: criteria provided, single submitter. Criteria: ACMG/ClinGen CNV Guidelines, 2019. Collection method: clinical testing. Allele origin: unknown.
Comment: The copy number gain of 15q24.3q26.3 involves multiple chromosomal bands and is expected to cause phenotypic and/or developmental abnormalities. It includes 13 genes associated with autosomal dominant disorders. Terminal duplications of 15q25q26 have been associated with a prenatal and postnatal overgrowth syndrome characterized by tall stature, renal abnormalities, variable intellectual disability, and craniofacial abnormalities including macrocephaly and craniosynostosis (Cannarella 2017, Gutierrez-Franco 2010, Kim 2011, O'Connor 2011, Zollino 1999). The genes IGF1R (OMIM 147370) or LRRK1 (OMIM 610986) have been proposed as candidate genes for the overgrowth phenotype, both of which are encompassed in the current gain interval (Leffler 2016, Tatton-Brown 2009, Roggenbuck 2004, Allen 1992). References: Zollino et al., Am J Med Genet. 1999 Dec 22;87(5):391-4. PMID:10594876. Cannarella et al., Endocr Connect. 2017 Oct;6(7):528-539. PMID:28899882. Gutierrez-Franco et al., Korean J Lab Med. 2010 Jun;30(3):318-24.PMID: 20603595. Kim et al., Korean J Pediatr. 2011 Jun;54(6):267-71. PMID: 21949522. O'Connor et al., Case Rep Genet. 2011:898706. PMID: 23074681.Leffler et al., Eur J Med Genet. 2016 Apr;59(4):257-62. PMID:26689622. Tatton-Brown K et al., Am J Med Genet A. 2009 Feb; 149A (2):147-54. PMID: 19133692. Roggenbuck et al., Am J Med Genet A. 2004 May 1;126A(4):398-402.PMID: 15098238. Allen et al., Am J Med Genet. 1992 Jul 1;43(4):688-92. PMID: 1621758.